The following is an entry in ClinVar:

NM_004329.3(BMPR1A):c.67+2T>C

Gene: BMPR1A (bone morphogenetic protein receptor type 1A; plus strand). Cytogenetic location: 10q23.2.
Variant type: single nucleotide variant.
Coding change: c.67+2T>C on transcript NM_004329.3 (MANE Select); the canonical splice donor site of the intron after coding-DNA position 67, T replaced by C.
Molecular consequence: splice donor variant. On other transcripts: intron variant (4).
Genome position (GRCh38, 1-based): chr10:86,876,087, T>C. VCF-style: chr10-86876087-T-C. GRCh37 (hg19) VCF-style: chr10-88635844-T-C.
Other names: c.-12-13980T>C (NM_001406586.1); c.67+2T>C (NM_001406562.1, NM_001406568.1, NM_001406567.1 and 24 more transcripts); c.-17-13975T>C (NM_001406584.1, NM_001406587.1, NM_001406585.1); c.-13+2T>C (NM_001406588.1).
Identifiers: ClinVar variation 3074109 (VCV003074109.3), dbSNP rs2539351347, ClinGen allele CA377774882.

ClinVar aggregate classification (germline): Likely pathogenic. Review status: criteria provided, multiple submitters, no conflicts (2 of 4 stars). 2 submissions from 2 submitters: Likely pathogenic (2). Last evaluated 2026-05-31.

Conditions:
BMPR1A-related disorder. Also called: BMPR1A-related condition.
Juvenile polyposis syndrome (JPS). Identifiers: Orphanet 2929, MedGen C0345893, MONDO:0017380, OMIM 174900.

Submissions (3):

PreventionGenetics, part of Exact Sciences
Classification: Likely pathogenic for BMPR1A-related condition. Last evaluated: 2026-05-31. Review status: criteria provided, single submitter. Criteria: ACMG Guidelines, 2015. Collection method: clinical testing. Allele origin: germline.
Comment: The BMPR1A c.67+2T>C variant is predicted to disrupt the GT donor site and interfere with normal splicing. To our knowledge, this variant has not been reported in the literature or in a large population database (gnomAD), indicating this variant is rare. Variants that disrupt the consensus splice donor site in BMPR1A are expected to be pathogenic. This variant is interpreted as likely pathogenic.

All of Us Research Program, National Institutes of Health
Classification: Likely pathogenic for Juvenile polyposis syndrome. Last evaluated: 2023-10-23. Review status: criteria provided, single submitter. Criteria: ACMG Guidelines, 2015. Collection method: clinical testing. Allele origin: germline. Inheritance: Autosomal dominant inheritance. Observed: 1 variant allele, 1 heterozygote.
Comment: This variant causes a T to C nucleotide substitution at the +2 position of intron 3 of the BMPR1A gene. Splice site prediction tools suggest that this variant may have a significant impact on RNA splicing. Although this prediction has not been confirmed in published RNA studies, this variant is expected to result in an absent or disrupted protein product. This variant has not been reported in individuals affected with BMPR1A-related disorders in the literature. This variant has not been identified in the general population by the Genome Aggregation Database (gnomAD). Loss of BMPR1A function is a known mechanism of disease. Based on the available evidence, this variant is classified as Likely Pathogenic.

This study involves interpretation of variants in research participants for the purpose of population health screening. Participant phenotype was not available at the time of variant classification. Additional details can be found in publication PMID: 35346344, PMCID: PMC8962531

Dr. Peter K. Rogan Lab, Western University
No classification provided (evidence only). Condition: Colorectal cancer. Review status: no classification provided. Collection method: in vitro. Allele origin: not applicable. Functional consequence: skipped exon, retained intron. Not counted in ClinVar's aggregate classification.